The following is an entry in ClinVar:

ClinVar aggregate classification (germline): Uncertain significance. Review status: criteria provided, multiple submitters, no conflicts (2 of 4 stars). 4 submissions from 4 submitters: Uncertain significance (4). Last evaluated 2026-06-29.

Conditions:
TTLL5-related disorder. Also called: TTLL5-related condition.
Cone-rod dystrophy 19 (CORD19). Identifiers: Orphanet 1872, MedGen C4014501, MONDO:0014372, OMIM 615860.

Allele frequency attached by ClinVar (database versions not stated): gnomAD 0.00011; gnomAD exomes 0.00011 and 0.00026; ExAC 0.00014; TOPMed 0.00014; ESP Exome Variant Server 0.00038.
gnomAD v4.1: 394 of 1,613,100 alleles (0.024%); highest among the groups gnomAD compares: Non-Finnish European, 0.032%; no homozygotes.

Submissions (4):

PreventionGenetics, part of Exact Sciences
Classification: Uncertain significance for TTLL5-related condition. Last evaluated: 2026-06-29. Review status: criteria provided, single submitter. Criteria: ACMG Guidelines, 2015. Collection method: clinical testing. Allele origin: germline.
Comment: The TTLL5 c.377A>C variant is predicted to result in the amino acid substitution p.Tyr126Ser. To our knowledge, this variant has not been reported in the literature. This variant is reported in 0.026% of alleles in individuals of European (Non-Finnish) descent in gnomAD. At this time, the clinical significance of this variant is uncertain due to the absence of conclusive functional and genetic evidence.

Blueprint Genetics
Classification: Uncertain significance. Last evaluated: 2024-11-11. Review status: criteria provided, single submitter. Criteria: ACMG Guidelines, 2015. Collection method: clinical testing. Allele origin: germline.

Labcorp Genetics (formerly Invitae), Labcorp
Classification: Uncertain significance. Last evaluated: 2024-10-25. Review status: criteria provided, single submitter. Criteria: Invitae Variant Classification Sherloc (09022015). Collection method: clinical testing. Allele origin: germline.
Comment: This sequence change replaces tyrosine, which is neutral and polar, with serine, which is neutral and polar, at codon 126 of the TTLL5 protein (p.Tyr126Ser). This variant is present in population databases (rs138271588, gnomAD 0.03%). This variant has not been reported in the literature in individuals affected with TTLL5-related conditions. ClinVar contains an entry for this variant (Variation ID: 948326). Invitae Evidence Modeling of protein sequence and biophysical properties (such as structural, functional, and spatial information, amino acid conservation, physicochemical variation, residue mobility, and thermodynamic stability) indicates that this missense variant is not expected to disrupt TTLL5 protein function with a negative predictive value of 80%. In summary, the available evidence is currently insufficient to determine the role of this variant in disease. Therefore, it has been classified as a Variant of Uncertain Significance.

Fulgent Genetics
Classification: Uncertain significance for Cone-rod dystrophy 19. Last evaluated: 2023-12-29. Review status: criteria provided, single submitter. Criteria: ACMG Guidelines, 2015. Collection method: clinical testing. Allele origin: germline.

NM_015072.5(TTLL5):c.377A>C (p.Tyr126Ser)

Gene: TTLL5 (tubulin tyrosine ligase like 5; plus strand). Cytogenetic location: 14q24.3.
Variant type: single nucleotide variant.
Coding change: c.377A>C on transcript NM_015072.5 (MANE Select); coding-DNA position 377, A replaced by C.
Protein change: p.Tyr126Ser; replaces tyrosine 126 with serine.
Molecular consequence: missense variant.
Genome position (GRCh38, 1-based): chr14:75,690,197, A>C. VCF-style: chr14-75690197-A-C. GRCh37 (hg19) VCF-style: chr14-76156540-A-C.
Other names: short protein forms Y126S.
Identifiers: ClinVar variation 948326 (VCV000948326.9), dbSNP rs138271588, ClinGen allele CA7278912.